The following is an entry in ClinVar:

NM_001371279.1(REEP1):c.460C>T (p.Gln154Ter)

Gene: REEP1 (receptor accessory protein 1; minus strand). Cytogenetic location: 2p11.2.
Variant type: single nucleotide variant.
Coding change: c.460C>T on transcript NM_001371279.1 (MANE Select); coding-DNA position 460, C replaced by T.
Protein change: p.Gln154Ter; replaces glutamine 154 with a stop codon.
Molecular consequence: nonsense. On other transcripts: synonymous variant (1), intron variant (1).
Genome position (GRCh38, 1-based): chr2:86,232,760, G>A on the plus strand (C>T on the coding strand, the complement: REEP1 is on the minus strand). VCF-style: chr2-86232760-G-A. GRCh37 (hg19) VCF-style: chr2-86459883-G-A.
Other names: c.481C>T, p.Gln161Ter (NM_001164730.2); c.379C>T, p.Gln127Ter (NM_001164731.2); c.225C>T, p.Cys75= (NM_001164732.2); c.460C>T, p.Gln154Ter (NM_022912.3); c.418-15650C>T (NM_001371280.1); short protein forms Q154*, Q127*, Q161*.
Identifiers: ClinVar variation 1452761 (VCV001452761.8), dbSNP rs2104054009, ClinGen allele CA347547484.

ClinVar aggregate classification (germline): Pathogenic (1 of 4 stars; one submission).

Conditions:
Hereditary spastic paraplegia 31. Also called: SPASTIC PARAPLEGIA 31, AUTOSOMAL DOMINANT. Identifiers: Orphanet 101011, MedGen C1853247, MONDO:0012453, OMIM 610250.

Submission:

Labcorp Genetics (formerly Invitae), Labcorp
Classification: Pathogenic for Hereditary spastic paraplegia 31. Last evaluated: 2021-01-14. Review status: criteria provided, single submitter. Criteria: Invitae Variant Classification Sherloc (09022015). Collection method: clinical testing. Allele origin: germline.
Comment: This sequence change creates a premature translational stop signal (p.Gln154*) in the REEP1 gene. It is expected to result in an absent or disrupted protein product. Loss-of-function variants in REEP1 are known to be pathogenic (PMID: 18321925, 18644145, 22703882). This variant is not present in population databases (ExAC no frequency). This variant has not been reported in the literature in individuals with REEP1-related conditions. Algorithms developed to predict the effect of sequence changes on RNA splicing suggest that this variant may create or strengthen a splice site, but this prediction has not been confirmed by published transcriptional studies. For these reasons, this variant has been classified as Pathogenic.

Literature cited by the submitters: PubMed 18321925; PubMed 18644145; PubMed 22703882.